The following is an entry in ClinVar:

NM_000350.3(ABCA4):c.5542C>T (p.Leu1848Phe)

Gene: ABCA4 (ATP binding cassette subfamily A member 4; minus strand). Cytogenetic location: 1p22.1.
Variant type: single nucleotide variant.
Coding change: c.5542C>T on transcript NM_000350.3 (MANE Select); coding-DNA position 5542, C replaced by T.
Protein change: p.Leu1848Phe; replaces leucine 1848 with phenylalanine.
Molecular consequence: missense variant.
Genome position (GRCh38, 1-based): chr1:94,011,304, G>A on the plus strand (C>T on the coding strand, the complement: ABCA4 is on the minus strand). VCF-style: chr1-94011304-G-A. GRCh37 (hg19) VCF-style: chr1-94476860-G-A.
Other names: c.5320C>T, p.Leu1774Phe (NM_001425324.1); short protein forms L1848F, L1774F.
Identifiers: ClinVar variation 1448749 (VCV001448749.8), dbSNP rs2101008340, ClinGen allele CA341281049.

ClinVar aggregate classification (germline): Uncertain significance (1 of 4 stars; one submission).

Submission:

Labcorp Genetics (formerly Invitae), Labcorp
Classification: Uncertain significance. Last evaluated: 2021-06-23. Review status: criteria provided, single submitter. Criteria: Invitae Variant Classification Sherloc (09022015). Collection method: clinical testing. Allele origin: germline.
Comment: This sequence change replaces leucine with phenylalanine at codon 1848 of the ABCA4 protein (p.Leu1848Phe). The leucine residue is highly conserved and there is a small physicochemical difference between leucine and phenylalanine. This variant is not present in population databases (ExAC no frequency). This variant has not been reported in the literature in individuals affected with ABCA4-related conditions. Algorithms developed to predict the effect of missense changes on protein structure and function are either unavailable or do not agree on the potential impact of this missense change (SIFT: "Deleterious"; PolyPhen-2: "Probably Damaging"; Align-GVGD: "Class C15"). In summary, the available evidence is currently insufficient to determine the role of this variant in disease. Therefore, it has been classified as a Variant of Uncertain Significance.